The following is an entry in ClinVar:

NM_005732.4(RAD50):c.2922+1G>A

Gene: RAD50 (RAD50 double strand break repair protein; plus strand). Cytogenetic location: 5q31.1.
Variant type: single nucleotide variant.
Coding change: c.2922+1G>A on transcript NM_005732.4 (MANE Select); the canonical splice donor site of the intron after coding-DNA position 2922, G replaced by A.
Molecular consequence: splice donor variant.
Genome position (GRCh38, 1-based): chr5:132,609,210, G>A. VCF-style: chr5-132609210-G-A. GRCh37 (hg19) VCF-style: chr5-131944902-G-A.
Identifiers: ClinVar variation 822272 (VCV000822272.9), dbSNP rs1581004749, ClinGen allele CA360960082.
Genomic context (GRCh38, chr5:132,609,210, plus strand): 5'-CATGGCTATATGAAAGACATTGAGAATTATATTCAAGATGGGAAAGACGACTATAAGAAG[G>A]TAATTTAAAACTTAAAATTATTTATTTGATTGTATTTTTATTCATGTGCTTAAAGAATTT-3'

ClinVar aggregate classification (germline): Likely pathogenic. Review status: criteria provided, multiple submitters, no conflicts (2 of 4 stars). 3 submissions from 3 submitters: Likely pathogenic (2). 1 of the submissions does not count toward it. Last evaluated 2023-09-03.

Conditions:
Breast and/or ovarian cancer. Identifiers: MedGen CN221562.
Hereditary cancer-predisposing syndrome. Also called: Tumor predisposition; Hereditary Cancer Syndrome; Neoplastic Syndromes, Hereditary; Hereditary neoplastic syndrome. Identifiers: Orphanet 140162, MedGen C0027672, MeSH D009386, MONDO:0015356.

Allele frequency attached by ClinVar (database versions not stated): gnomAD exomes below 0.00001.
gnomAD v4.1: 5 of 1,610,152 alleles (0.00031%); highest among the groups gnomAD compares: Non-Finnish European, 0.00042%; no homozygotes.

Submissions (3):

Labcorp Genetics (formerly Invitae), Labcorp
Classification: Likely pathogenic for Hereditary cancer-predisposing syndrome. Last evaluated: 2023-09-03. Review status: criteria provided, single submitter. Criteria: Invitae Variant Classification Sherloc (09022015). Collection method: clinical testing. Allele origin: germline.
Comment: In summary, the currently available evidence indicates that the variant is pathogenic, but additional data are needed to prove that conclusively. Therefore, this variant has been classified as Likely Pathogenic. Algorithms developed to predict the effect of sequence changes on RNA splicing suggest that this variant may disrupt the consensus splice site. ClinVar contains an entry for this variant (Variation ID: 822272). This variant has not been reported in the literature in individuals affected with RAD50-related conditions. This variant is not present in population databases (gnomAD no frequency). This sequence change affects a donor splice site in intron 18 of the RAD50 gene. It is expected to disrupt RNA splicing. Variants that disrupt the donor or acceptor splice site typically lead to a loss of protein function (PMID: 16199547), and loss-of-function variants in RAD50 are known to be pathogenic (PMID: 19409520).

Ambry Genetics
Classification: Likely pathogenic for Hereditary cancer-predisposing syndrome. Last evaluated: 2023-03-15. Review status: criteria provided, single submitter. Criteria: Ambry Variant Classification Scheme 2023. Collection method: clinical testing. Allele origin: germline.
Comment: The c.2922+1G>A intronic variant results from a G to A substitution one nucleotide after coding exon 18 of the RAD50 gene. This nucleotide position is highly conserved in available vertebrate species. In silico splice site analysis predicts that this alteration will weaken the native splice donor site; however, direct evidence is insufficient at this time (Ambry internal data). Alterations that disrupt the canonical splice site are expected to cause aberrant splicing, resulting in an abnormal protein or a transcript that is subject to nonsense-mediated mRNA decay. As such, this alteration is classified as likely pathogenic.

CZECANCA consortium
Classification: Likely pathogenic for Breast and/or ovarian cancer. Last evaluated: 2019-06-11. Review status: no assertion criteria provided. Collection method: clinical testing. Allele origin: germline. Affected: yes. Observed: 2 variant alleles. Not counted in ClinVar's aggregate classification.

Literature cited by the submitters: PubMed 16199547 (cited by Labcorp Genetics (formerly Invitae), Labcorp); PubMed 19409520 (cited by Labcorp Genetics (formerly Invitae), Labcorp); PubMed 32295079 (cited by CZECANCA consortium).